The following is an entry in ClinVar:

NM_001961.4(EEF2):c.1714-172T>C

Gene: EEF2 (eukaryotic translation elongation factor 2; minus strand). Cytogenetic location: 19p13.3.
Variant type: single nucleotide variant.
Coding change: c.1714-172T>C on transcript NM_001961.4 (MANE Select); 172 bases into the intron before coding-DNA position 1714, T replaced by C.
Molecular consequence: intron variant.
Genome position (GRCh38, 1-based): chr19:3,978,344, A>G on the plus strand (T>C on the coding strand, the complement: EEF2 is on the minus strand). VCF-style: chr19-3978344-A-G. GRCh37 (hg19) VCF-style: chr19-3978342-A-G.
Identifiers: ClinVar variation 1706836 (VCV001706836.2), dbSNP rs182115023, ClinGen allele CA304442227.
Genomic context (GRCh38, chr19:3,978,344, plus strand): 5'-GCCACGTCAATCAGAACGAAGCGGAGTCAGTGTTGCAGTGCCAAGCGCATCTCACTCCAG[A>G]CAAGGACAAGGAGCAGGGGCTCCACTGAGCTCTCCGGCGCAGAAACCACGGGCTTGTGGA-3'

ClinVar aggregate classification (germline): Likely benign (1 of 4 stars; one submission).

Allele frequency attached by ClinVar (database versions not stated): 1000 Genomes Project 0.00559.
gnomAD v4.1: 956 of 152,148 alleles (0.63%); highest among the groups gnomAD compares: African/African-American, 2.2%; 11 homozygotes.

Submission:

GeneDx
Classification: Likely benign. Last evaluated: 2021-05-21. Review status: criteria provided, single submitter. Criteria: GeneDx Variant Classification Process June 2021. Collection method: clinical testing. Allele origin: germline. Affected: yes.
Comment: See Variant Classification Assertion Criteria.